The following is an entry in ClinVar:

ClinVar aggregate classification (germline): Uncertain significance (1 of 4 stars; one submission).

Submission:

Women's Health and Genetics/Laboratory Corporation of America, LabCorp
Classification: Uncertain significance. Last evaluated: 2023-10-11. Review status: criteria provided, single submitter. Criteria: LabCorp Variant Classification Summary - May 2015. Collection method: clinical testing. Allele origin: germline.
Comment: Variant summary: MEFV c.2177T>A (p.Val726Asp) results in a non-conservative amino acid change located in the B30.2/SPRY domain (IPR001870) of the encoded protein sequence. Three of five in-silico tools predict a benign effect of the variant on protein function. The variant allele was found at a frequency of 4e-06 in 251486 control chromosomes. The available data on variant occurrences in the general population are insufficient to allow any conclusion about variant significance. To our knowledge, no occurrence of c.2177T>A in individuals affected with Familial Mediterranean Fever and no experimental evidence demonstrating its impact on protein function have been reported. No submitters have cited clinical-significance assessments for this variant to ClinVar after 2014. Based on the evidence outlined above, the variant was classified as uncertain significance.

NM_000243.3(MEFV):c.2177T>A (p.Val726Asp)

Gene: MEFV (MEFV innate immunity regulator, pyrin; minus strand). Cytogenetic location: 16p13.3.
Variant type: single nucleotide variant.
Coding change: c.2177T>A on transcript NM_000243.3 (MANE Select); coding-DNA position 2177, T replaced by A.
Protein change: p.Val726Asp; replaces valine 726 with aspartic acid.
Molecular consequence: missense variant. On other transcripts: 3 prime UTR variant (1).
Genome position (GRCh38, 1-based): chr16:3,243,310, A>T on the plus strand (T>A on the coding strand, the complement: MEFV is on the minus strand). VCF-style: chr16-3243310-A-T. GRCh37 (hg19) VCF-style: chr16-3293310-A-T.
Other names: c.*381T>A (NM_001198536.2); short protein forms V726D.
Identifiers: ClinVar variation 2637664 (VCV002637664.1), dbSNP rs28940579, ClinGen allele CA7859858.